The following is an entry in ClinVar:

NM_021008.4(DEAF1):c.416A>G (p.Asp139Gly)

Gene: DEAF1 (DEAF1 transcription factor; minus strand). Cytogenetic location: 11p15.5.
Variant type: single nucleotide variant.
Coding change: c.416A>G on transcript NM_021008.4 (MANE Select); coding-DNA position 416, A replaced by G.
Protein change: p.Asp139Gly; replaces aspartic acid 139 with glycine.
Molecular consequence: missense variant. On other transcripts: 5 prime UTR variant (3), intron variant (1).
Genome position (GRCh38, 1-based): chr11:688,432, T>C on the plus strand (A>G on the coding strand, the complement: DEAF1 is on the minus strand). VCF-style: chr11-688432-T-C. GRCh37 (hg19) VCF-style: chr11-688432-T-C.
Other names: c.416A>G, p.Asp139Gly (NM_001293634.2, NM_001440883.1, NM_001440884.1); c.-311A>G (NM_001367390.1, NM_001440886.1, NM_001440887.1); c.-209-375A>G (NM_001440885.1); short protein forms D139G.
Identifiers: ClinVar variation 4798043 (VCV004798043.1).

ClinVar aggregate classification (germline): Uncertain significance (1 of 4 stars; one submission).

Submission:

Labcorp Genetics (formerly Invitae), Labcorp
Classification: Uncertain significance. Last evaluated: 2025-10-10. Review status: criteria provided, single submitter. Criteria: Invitae Variant Classification Sherloc (09022015). Collection method: clinical testing. Allele origin: germline.
Comment: This sequence change replaces aspartic acid, which is acidic and polar, with glycine, which is neutral and non-polar, at codon 139 of the DEAF1 protein (p.Asp139Gly). This variant is not present in population databases (gnomAD no frequency). This variant has not been reported in the literature in individuals affected with DEAF1-related conditions. Invitae Evidence Modeling of protein sequence and biophysical properties (such as structural, functional, and spatial information, amino acid conservation, physicochemical variation, residue mobility, and thermodynamic stability) has been performed for this missense variant. However, the output from this modeling did not meet the statistical confidence thresholds required to predict the impact of this variant on DEAF1 protein function. In summary, the available evidence is currently insufficient to determine the role of this variant in disease. Therefore, it has been classified as a Variant of Uncertain Significance.